The following is an entry in ClinVar:

NM_002095.6(GTF2E2):c.866C>G (p.Ser289Cys)

Gene: GTF2E2 (general transcription factor IIE subunit 2; minus strand). Cytogenetic location: 8p12.
Variant type: single nucleotide variant.
Coding change: c.866C>G on transcript NM_002095.6 (MANE Select); coding-DNA position 866, C replaced by G.
Protein change: p.Ser289Cys; replaces serine 289 with cysteine.
Molecular consequence: missense variant.
Genome position (GRCh38, 1-based): chr8:30,578,931, G>C on the plus strand (C>G on the coding strand, the complement: GTF2E2 is on the minus strand). VCF-style: chr8-30578931-G-C. GRCh37 (hg19) VCF-style: chr8-30436448-G-C.
Other names: c.866C>G (NM_002095.4); short protein forms S289C.
Identifiers: ClinVar variation 1450425 (VCV001450425.7), dbSNP rs751070215, ClinGen allele CA4700843.
Genomic context (GRCh38, chr8:30,578,931, plus strand): 5'-AACACTCTTGATTGTGTATCTGTAACTCTGTTCCAGGGCAAAACTGTTCCCTATTTGCTG[G>C]AAGTAATGTCAGAGTAATCCTTCAGCACTCCAGCCAAGTGTTCGTTATGAGTCTTAAAGC-3'
Protein context (NP_002086.1, residues 279-291): GVLKDYSDIT[Ser289Cys]SK

ClinVar aggregate classification (germline): Uncertain significance. Review status: criteria provided, multiple submitters, no conflicts (2 of 4 stars). 2 submissions from 2 submitters: Uncertain significance (2). Last evaluated 2025-04-11.

Conditions:
Inborn genetic diseases. Identifiers: MedGen C0950123, MeSH D030342.

Allele frequency attached by ClinVar (database versions not stated): TOPMed 0.00001; ExAC 0.00003; gnomAD 0.00004 and 0.00003; gnomAD exomes 0.00002.
gnomAD v4.1: 28 of 1,527,702 alleles (0.0018%); highest among the groups gnomAD compares: Middle Eastern, 0.034%; no homozygotes.

Submissions (2):

Ambry Genetics
Classification: Uncertain significance for Inborn genetic diseases. Last evaluated: 2025-04-11. Review status: criteria provided, single submitter. Criteria: Ambry Variant Classification Scheme 2023. Collection method: clinical testing. Allele origin: germline.

Labcorp Genetics (formerly Invitae), Labcorp
Classification: Uncertain significance. Last evaluated: 2025-02-03. Review status: criteria provided, single submitter. Criteria: Invitae Variant Classification Sherloc (09022015). Collection method: clinical testing. Allele origin: germline.
Comment: This sequence change replaces serine, which is neutral and polar, with cysteine, which is neutral and slightly polar, at codon 289 of the GTF2E2 protein (p.Ser289Cys). This variant is present in population databases (rs751070215, gnomAD 0.005%). This variant has not been reported in the literature in individuals affected with GTF2E2-related conditions. ClinVar contains an entry for this variant (Variation ID: 1450425). An algorithm developed to predict the effect of missense changes on protein structure and function (PolyPhen-2) suggests that this variant¬†is likely to be tolerated. In summary, the available evidence is currently insufficient to determine the role of this variant in disease. Therefore, it has been classified as a Variant of Uncertain Significance.